The following is an entry in ClinVar:

NM_001199138.2(NLRC4):c.591C>T (p.Phe197=)

Gene: NLRC4 (NLR family CARD domain containing 4; minus strand). Cytogenetic location: 2p22.3.
Variant type: single nucleotide variant.
Coding change: c.591C>T on transcript NM_001199138.2 (MANE Select); coding-DNA position 591, C replaced by T.
Protein change: p.Phe197=; no amino-acid change (phenylalanine 197 retained).
Molecular consequence: synonymous variant. On other transcripts: intron variant (1).
Genome position (GRCh38, 1-based): chr2:32,251,273, G>A on the plus strand (C>T on the coding strand, the complement: NLRC4 is on the minus strand). VCF-style: chr2-32251273-G-A. GRCh37 (hg19) VCF-style: chr2-32476342-G-A.
Other names: c.591C>T, p.Phe197= (NM_001199139.2, NM_021209.5); c.262+1146C>T (NM_001302504.1).
Identifiers: ClinVar variation 2943828 (VCV002943828.3), dbSNP rs2466763290, ClinGen allele CA425621223.

ClinVar aggregate classification (germline): Uncertain significance (1 of 4 stars; one submission).

Conditions:
Periodic fever-infantile enterocolitis-autoinflammatory syndrome. Also called: Autoinflammation with infantile enterocolitis. Identifiers: Orphanet 436166, MedGen C4015067, MONDO:0014472, OMIM 616050.
Familial cold autoinflammatory syndrome 4 (FCAS4). Identifiers: Orphanet 47045, Orphanet 576349, MedGen C4015276, MONDO:0014498, OMIM 616115.

Submission:

Labcorp Genetics (formerly Invitae), Labcorp
Classification: Uncertain significance for Periodic fever-infantile enterocolitis-autoinflammatory syndrome; Familial cold autoinflammatory syndrome 4. Last evaluated: 2023-02-01. Review status: criteria provided, single submitter. Criteria: Invitae Variant Classification Sherloc (09022015). Collection method: clinical testing. Allele origin: germline.
Comment: In summary, the available evidence is currently insufficient to determine the role of this variant in disease. Therefore, it has been classified as a Variant of Uncertain Significance. Algorithms developed to predict the effect of sequence changes on RNA splicing suggest that this variant may create or strengthen a splice site. This variant has not been reported in the literature in individuals affected with NLRC4-related conditions. This variant is not present in population databases (gnomAD no frequency). This sequence change affects codon 197 of the NLRC4 mRNA. It is a 'silent' change, meaning that it does not change the encoded amino acid sequence of the NLRC4 protein.